The following is an entry in ClinVar:

NM_021224.6(ZNF462):c.1446G>A (p.Ser482=)

Gene: ZNF462 (zinc finger protein 462; plus strand). Cytogenetic location: 9q31.2.
Variant type: single nucleotide variant.
Coding change: c.1446G>A on transcript NM_021224.6 (MANE Select); coding-DNA position 1446, G replaced by A.
Protein change: p.Ser482=; no amino-acid change (serine 482 retained).
Molecular consequence: synonymous variant.
Genome position (GRCh38, 1-based): chr9:106,925,358, G>A. VCF-style: chr9-106925358-G-A. GRCh37 (hg19) VCF-style: chr9-109687639-G-A.
Other names: c.1446G>A, p.Ser482= (NM_001347997.2); c.1446G>A (NM_021224.5).
Identifiers: ClinVar variation 714431 (VCV000714431.7), dbSNP rs73522975, ClinGen allele CA5171325.

ClinVar aggregate classification (germline): Benign. Review status: criteria provided, multiple submitters, no conflicts (2 of 4 stars). 3 submissions from 3 submitters: Benign (2). 1 of the submissions does not count toward it. Last evaluated 2019-12-31.

Conditions:
ZNF462-related disorder. Also called: ZNF462 related disease; ZNF462-related condition.

Allele frequency attached by ClinVar (database versions not stated): gnomAD 0.00770 and 0.00841; 1000 Genomes Project 0.00819; 1000 Genomes Project 30x 0.00874; TOPMed 0.00889; ESP Exome Variant Server 0.01061.
gnomAD v4.1: 2,445 of 1,614,198 alleles (0.15%); highest among the groups gnomAD compares: African/African-American, 2.8%; 26 homozygotes.

Submissions (3):

Labcorp Genetics (formerly Invitae), Labcorp
Classification: Benign. Last evaluated: 2019-12-31. Review status: criteria provided, single submitter. Criteria: Invitae Variant Classification Sherloc (09022015). Collection method: clinical testing. Allele origin: germline.

Breakthrough Genomics
Classification: Benign. Review status: criteria provided, single submitter. Criteria: ACMG Guidelines, 2015. Collection method: not provided. Allele origin: germline. Inheritance: Autosomal dominant inheritance. Affected: yes.

PreventionGenetics, part of Exact Sciences
Classification: Benign for ZNF462-related condition. Last evaluated: 2019-02-22. Review status: no assertion criteria provided. Collection method: clinical testing. Allele origin: germline. Not counted in ClinVar's aggregate classification.
Comment: This variant is classified as benign based on ACMG/AMP sequence variant interpretation guidelines (Richards et al. 2015 PMID: 25741868, with internal and published modifications).